The following is an entry in ClinVar:

ClinVar aggregate classification (germline): Uncertain significance. Review status: criteria provided, multiple submitters, no conflicts (2 of 4 stars). 2 submissions from 2 submitters: Uncertain significance (2). Last evaluated 2024-04-16.

Conditions:
Parathyroid carcinoma (PRTC). Also called: Parathyroid gland carcinoma; CDC73-Related Parathyroid Carcinoma. Identifiers: Orphanet 143, MedGen C0687150, MONDO:0012004, OMIM 608266, HP:0006780.
Hereditary cancer-predisposing syndrome. Also called: Tumor predisposition; Hereditary neoplastic syndrome; Neoplastic Syndromes, Hereditary; Hereditary Cancer Syndrome. Identifiers: Orphanet 140162, MedGen C0027672, MeSH D009386, MONDO:0015356.

Allele frequency attached by ClinVar (database versions not stated): gnomAD exomes below 0.00001; gnomAD 0.00001; TOPMed 0.00001.
gnomAD v4.1: 2 of 1,609,054 alleles (0.00012%); highest among the groups gnomAD compares: African/African-American, 0.0013%; no homozygotes.

Submissions (2):

Ambry Genetics
Classification: Uncertain significance for Hereditary cancer-predisposing syndrome. Last evaluated: 2024-04-16. Review status: criteria provided, single submitter. Criteria: Ambry Variant Classification Scheme 2023. Collection method: clinical testing. Allele origin: germline.
Comment: The p.R139Q variant (also known as c.416G>A), located in coding exon 5 of the CDC73 gene, results from a G to A substitution at nucleotide position 416. The arginine at codon 139 is replaced by glutamine, an amino acid with highly similar properties. This amino acid position is highly conserved in available vertebrate species. In addition, the in silico prediction for this alteration is inconclusive. Based on the available evidence, the clinical significance of this variant remains unclear.

Labcorp Genetics (formerly Invitae), Labcorp
Classification: Uncertain significance for Parathyroid carcinoma. Last evaluated: 2022-11-01. Review status: criteria provided, single submitter. Criteria: Invitae Variant Classification Sherloc (09022015). Collection method: clinical testing. Allele origin: germline.
Comment: In summary, the available evidence is currently insufficient to determine the role of this variant in disease. Therefore, it has been classified as a Variant of Uncertain Significance. Advanced modeling of protein sequence and biophysical properties (such as structural, functional, and spatial information, amino acid conservation, physicochemical variation, residue mobility, and thermodynamic stability) performed at Invitae indicates that this missense variant is not expected to disrupt CDC73 protein function. ClinVar contains an entry for this variant (Variation ID: 950599). This variant has not been reported in the literature in individuals affected with CDC73-related conditions. This variant is not present in population databases (gnomAD no frequency). This sequence change replaces arginine, which is basic and polar, with glutamine, which is neutral and polar, at codon 139 of the CDC73 protein (p.Arg139Gln).

NM_024529.5(CDC73):c.416G>A (p.Arg139Gln)

Gene: CDC73 (cell division cycle 73; plus strand). Cytogenetic location: 1q31.2.
Variant type: single nucleotide variant.
Coding change: c.416G>A on transcript NM_024529.5 (MANE Select); coding-DNA position 416, G replaced by A.
Protein change: p.Arg139Gln; replaces arginine 139 with glutamine.
Molecular consequence: missense variant.
Genome position (GRCh38, 1-based): chr1:193,135,582, G>A. VCF-style: chr1-193135582-G-A. GRCh37 (hg19) VCF-style: chr1-193104712-G-A.
Other names: short protein forms R139Q.
Identifiers: ClinVar variation 950599 (VCV000950599.11), dbSNP rs1675778391, ClinGen allele CA343960779.
Genomic context (GRCh38, chr1:193,135,582, plus strand): 5'-CTCTTTCTTTTATAGTCAAACGAGCTGCAGATGAAGTTTTAGCAGAAGCAAAGAAACCAC[G>A]AATTGAGGTAAAGAAACTGTATTTTAAACAATTTTATTTATATTGTTATTGAAATTGGGA-3'
Protein context (NP_078805.3, residues 129-149): DEVLAEAKKP[Arg139Gln]IEDEECVRLD